The following is an entry in ClinVar:

ClinVar aggregate classification (germline): Conflicting classifications of pathogenicity. Review status: criteria provided, conflicting classifications (1 of 4 stars). 12 submissions from 11 submitters: Uncertain significance (2); Benign (3); Likely benign (5). 2 of the submissions do not count toward it. Last evaluated 2026-08-01.

Conditions:
Inborn genetic diseases. Identifiers: MedGen C0950123, MeSH D030342.
Dystonia 9 (DYT9). Also called: CHOREOATHETOSIS, KINESIGENIC, WITH EPISODIC ATAXIA AND SPASTICITY. Identifiers: Orphanet 53583, MedGen C1832855, MONDO:0010983, OMIM 601042.
Encephalopathy due to GLUT1 deficiency. Also called: GLUT1 deficiency syndrome 1; GLUT1 deficiency syndrome 1, infantile onset, severe; Classic Glucose Transporter Type 1 Deficiency Syndrome; De Vivo disease; GLUCOSE TRANSPORT DEFECT, BLOOD-BRAIN BARRIER; Glucose transporter protein syndrome. Identifiers: Orphanet 71277, MedGen C4551966, MONDO:0011724, OMIM 606777.
GLUT1 deficiency syndrome 1, autosomal recessive. Identifiers: MedGen C3149117.

Allele frequency attached by ClinVar (database versions not stated): gnomAD exomes 0.00071; TOPMed 0.00072; ExAC 0.00076; 1000 Genomes Project 30x 0.00031; 1000 Genomes Project 0.00040; ESP Exome Variant Server 0.00054; gnomAD 0.00066 and 0.00068.

Submissions (12):

CeGaT Center for Human Genetics Tuebingen
Classification: Likely benign. Last evaluated: 2026-08-01. Review status: criteria provided, single submitter. Criteria: CeGaT Center For Human Genetics Tuebingen Variant Classification Criteria Version 2. Collection method: clinical testing. Allele origin: germline. Affected: yes. Observed: 11 variant alleles.
Comment: SLC2A1: BP4, BP7

Labcorp Genetics (formerly Invitae), Labcorp
Classification: Benign for GLUT1 deficiency syndrome 1, autosomal recessive. Last evaluated: 2026-01-07. Review status: criteria provided, single submitter. Criteria: Invitae Variant Classification Sherloc (09022015). Collection method: clinical testing. Allele origin: germline.

Blueprint Genetics
Classification: Likely benign. Last evaluated: 2024-07-24. Review status: criteria provided, single submitter. Criteria: ACMG Guidelines, 2015. Collection method: clinical testing. Allele origin: germline.

Athena Diagnostics
Classification: Benign. Last evaluated: 2018-10-09. Review status: criteria provided, single submitter. Criteria: Athena Diagnostics Criteria. Collection method: clinical testing. Allele origin: germline.

Ambry Genetics
Classification: Likely benign for Inborn genetic diseases. Last evaluated: 2017-09-18. Review status: criteria provided, single submitter. Criteria: Ambry Variant Classification Scheme 2023. Collection method: clinical testing. Allele origin: germline.

Eurofins Ntd Llc (ga)
Classification: Uncertain significance. Last evaluated: 2017-08-08. Review status: criteria provided, single submitter. Criteria: EGL Classification Definitions 2015. Collection method: clinical testing. Allele origin: germline. Observed: 8 variant alleles, 8 heterozygotes.

Illumina Laboratory Services, Illumina
Classification: Likely benign for Encephalopathy due to GLUT1 deficiency. Last evaluated: 2017-04-27. Review status: criteria provided, single submitter. Criteria: ICSL Variant Classification Criteria 13 December 2019. Collection method: clinical testing. Allele origin: germline.
Comment: This variant was observed as part of a predisposition screen in an ostensibly healthy population. A literature search was performed for the gene, cDNA change, and amino acid change (where applicable). No publications were found based on this search. Allele frequency data from public databases allowed determination this variant is unlikely to cause disease. Therefore, this variant is classified as likely benign.

Illumina Laboratory Services, Illumina
Classification: Likely benign for Dystonia 9. Last evaluated: 2017-04-27. Review status: criteria provided, single submitter. Criteria: ICSL Variant Classification Criteria 13 December 2019. Collection method: clinical testing. Allele origin: germline.
Comment: the same text as in the submission from Illumina Laboratory Services, Illumina above.

Genetic Services Laboratory, University of Chicago
Classification: Uncertain significance for GLUT1 deficiency syndrome 1. Last evaluated: 2014-07-07. Review status: criteria provided, single submitter. Criteria: ACMG Guidelines, 2015. Collection method: clinical testing. Allele origin: germline. Inheritance: Autosomal dominant inheritance.

GeneDx
Classification: Benign. Last evaluated: 2013-10-31. Review status: criteria provided, single submitter. Criteria: GeneDx Variant Classification (06012015). Collection method: clinical testing. Allele origin: germline. Affected: yes.
Comment: This variant is considered likely benign or benign based on one or more of the following criteria: it is a conservative change, it occurs at a poorly conserved position in the protein, it is predicted to be benign by multiple in silico algorithms, and/or has population frequency not consistent with disease.

Clinical Genetics DNA and cytogenetics Diagnostics Lab, Erasmus MC, Erasmus Medical Center
Classification: Likely benign. Review status: no assertion criteria provided. Collection method: clinical testing. Allele origin: germline. Affected: yes. Study: VKGL Data-share Consensus. Not counted in ClinVar's aggregate classification.

Genome Diagnostics Laboratory, University Medical Center Utrecht
Classification: Likely benign. Review status: no assertion criteria provided. Collection method: clinical testing. Allele origin: germline. Affected: yes. Study: VKGL Data-share Consensus. Not counted in ClinVar's aggregate classification.

Literature cited by the submitters: PubMed 25914049 (cited by Athena Diagnostics).

NM_006516.4(SLC2A1):c.777C>T (p.Ile259=)

Gene: SLC2A1 (solute carrier family 2 member 1; minus strand). Cytogenetic location: 1p34.2.
Variant type: single nucleotide variant.
Coding change: c.777C>T on transcript NM_006516.4 (MANE Select); coding-DNA position 777, C replaced by T.
Protein change: p.Ile259=; no amino-acid change (isoleucine 259 retained).
Molecular consequence: synonymous variant.
Genome position (GRCh38, 1-based): chr1:42,929,683, G>A on the plus strand (C>T on the coding strand, the complement: SLC2A1 is on the minus strand). VCF-style: chr1-42929683-G-A. GRCh37 (hg19) VCF-style: chr1-43395354-G-A.
Other names: p.I259I:ATC>ATT.
Identifiers: ClinVar variation 95417 (VCV000095417.63), dbSNP rs78388808, ClinGen allele CA019319.